The following is an entry in ClinVar:

NM_000435.3(NOTCH3):c.4637G>A (p.Arg1546His)

Gene: NOTCH3 (notch receptor 3; minus strand). Cytogenetic location: 19p13.12.
Variant type: single nucleotide variant.
Coding change: c.4637G>A on transcript NM_000435.3 (MANE Select); coding-DNA position 4637, G replaced by A.
Protein change: p.Arg1546His; replaces arginine 1546 with histidine.
Molecular consequence: missense variant.
Genome position (GRCh38, 1-based): chr19:15,174,167, C>T on the plus strand (G>A on the coding strand, the complement: NOTCH3 is on the minus strand). VCF-style: chr19-15174167-C-T. GRCh37 (hg19) VCF-style: chr19-15284978-C-T.
Other names: short protein forms R1546H.
Identifiers: ClinVar variation 2684139 (VCV002684139.1), dbSNP rs2145408722, ClinGen allele CA404500267.

ClinVar aggregate classification (germline): Uncertain significance (1 of 4 stars; one submission).

Submission:

Athena Diagnostics
Classification: Uncertain significance. Last evaluated: 2023-08-23. Review status: criteria provided, single submitter. Criteria: Athena Diagnostics Criteria. Collection method: clinical testing. Allele origin: unknown.
Comment: Available data are insufficient to determine the clinical significance of the variant at this time. This variant has not been reported in large, multi-ethnic general populations. Computational tools disagree on the variant's effect on normal protein function.